The following is an entry in ClinVar:

ClinVar aggregate classification (germline): Uncertain significance. Review status: criteria provided, multiple submitters, no conflicts (2 of 4 stars). 3 submissions from 3 submitters: Uncertain significance (3). Last evaluated 2023-09-20.

Conditions:
Deficiency of aromatic-L-amino-acid decarboxylase. Also called: AADC DEFICIENCY; DDC DEFICIENCY; DOPA DECARBOXYLASE DEFICIENCY; Aromatic L-Amino Acid Decarboxylase Deficiency; Aromatic amino acid decarboxylase deficiency. Identifiers: Orphanet 35708, MedGen C1291564, MONDO:0012084, OMIM 608643.

Allele frequency attached by ClinVar (database versions not stated): gnomAD exomes below 0.00001; ExAC 0.00001; gnomAD 0.00001.
gnomAD v4.1: 16 of 1,613,920 alleles (0.00099%); highest among the groups gnomAD compares: African/African-American, 0.0093%; no homozygotes.

Submissions (3):

Blueprint Genetics
Classification: Uncertain significance. Last evaluated: 2023-09-20. Review status: criteria provided, single submitter. Criteria: ACMG Guidelines, 2015. Collection method: clinical testing. Allele origin: germline.

Labcorp Genetics (formerly Invitae), Labcorp
Classification: Uncertain significance for Deficiency of aromatic-L-amino-acid decarboxylase. Last evaluated: 2022-10-25. Review status: criteria provided, single submitter. Criteria: Invitae Variant Classification Sherloc (09022015). Collection method: clinical testing. Allele origin: germline.
Comment: This sequence change replaces glycine, which is neutral and non-polar, with aspartic acid, which is acidic and polar, at codon 415 of the DDC protein (p.Gly415Asp). This variant is present in population databases (rs780538527, gnomAD no frequency). This variant has not been reported in the literature in individuals affected with DDC-related conditions. ClinVar contains an entry for this variant (Variation ID: 1378024). Algorithms developed to predict the effect of missense changes on protein structure and function (SIFT, PolyPhen-2, Align-GVGD) all suggest that this variant is likely to be disruptive. In summary, the available evidence is currently insufficient to determine the role of this variant in disease. Therefore, it has been classified as a Variant of Uncertain Significance.

Breakthrough Genomics
Classification: Uncertain significance. Review status: criteria provided, single submitter. Criteria: ACMG Guidelines, 2015. Collection method: not provided. Allele origin: germline. Inheritance: Autosomal recessive inheritance. Affected: yes.

NM_001082971.2(DDC):c.1244G>A (p.Gly415Asp)

Gene: DDC (dopa decarboxylase; minus strand). Cytogenetic location: 7p12.2.
Variant type: single nucleotide variant.
Coding change: c.1244G>A on transcript NM_001082971.2 (MANE Select); coding-DNA position 1244, G replaced by A.
Protein change: p.Gly415Asp; replaces glycine 415 with aspartic acid.
Molecular consequence: missense variant.
Genome position (GRCh38, 1-based): chr7:50,463,430, C>T on the plus strand (G>A on the coding strand, the complement: DDC is on the minus strand). VCF-style: chr7-50463430-C-T. GRCh37 (hg19) VCF-style: chr7-50531128-C-T.
Other names: c.1244G>A, p.Gly415Asp (NM_000790.4); c.1130G>A, p.Gly377Asp (NM_001242886.2); c.1100G>A, p.Gly367Asp (NM_001242887.2); c.1010G>A, p.Gly337Asp (NM_001242888.2); c.965G>A, p.Gly322Asp (NM_001242889.2); short protein forms G337D, G367D, G377D, G322D, G415D.
Identifiers: ClinVar variation 1378024 (VCV001378024.5), dbSNP rs780538527, ClinGen allele CA4262000.